The following is an entry in ClinVar:

NM_002029.4(FPR1):c.77A>C (p.Asp26Ala)

Gene: FPR1 (formyl peptide receptor 1; minus strand). Cytogenetic location: 19q13.41.
Variant type: single nucleotide variant.
Coding change: c.77A>C on transcript NM_002029.4 (MANE Select); coding-DNA position 77, A replaced by C.
Protein change: p.Asp26Ala; replaces aspartic acid 26 with alanine.
Molecular consequence: missense variant.
Genome position (GRCh38, 1-based): chr19:51,746,918, T>G on the plus strand (A>C on the coding strand, the complement: FPR1 is on the minus strand). VCF-style: chr19-51746918-T-G. GRCh37 (hg19) VCF-style: chr19-52250171-T-G.
Other names: c.77A>C, p.Asp26Ala (NM_001193306.2); short protein forms D26A.
Identifiers: ClinVar variation 2754690 (VCV002754690.3), dbSNP rs2083751604, ClinGen allele CA407121196.

ClinVar aggregate classification (germline): Uncertain significance (1 of 4 stars; one submission).

Conditions:
Gingival disorder. Also called: Gingival disease. Identifiers: MedGen C0017563, MONDO:0002021.

Submission:

Labcorp Genetics (formerly Invitae), Labcorp
Classification: Uncertain significance for Gingival disorder. Last evaluated: 2023-08-23. Review status: criteria provided, single submitter. Criteria: Invitae Variant Classification Sherloc (09022015). Collection method: clinical testing. Allele origin: germline.
Comment: This sequence change replaces aspartic acid, which is acidic and polar, with alanine, which is neutral and non-polar, at codon 26 of the FPR1 protein (p.Asp26Ala). In summary, the available evidence is currently insufficient to determine the role of this variant in disease. Therefore, it has been classified as a Variant of Uncertain Significance. An algorithm developed to predict the effect of missense changes on protein structure and function (PolyPhen-2) suggests that this variant is likely to be tolerated. This variant has not been reported in the literature in individuals affected with FPR1-related conditions. This variant is not present in population databases (gnomAD no frequency).